The following is an entry in ClinVar:

NM_012275.3(IL36RN):c.136C>T (p.Pro46Ser)

Gene: IL36RN (interleukin 36 receptor antagonist; plus strand). Cytogenetic location: 2q14.1.
Variant type: single nucleotide variant.
Coding change: c.136C>T on transcript NM_012275.3 (MANE Select); coding-DNA position 136, C replaced by T.
Protein change: p.Pro46Ser; replaces proline 46 with serine.
Molecular consequence: missense variant.
Genome position (GRCh38, 1-based): chr2:113,062,144, C>T. VCF-style: chr2-113062144-C-T. GRCh37 (hg19) VCF-style: chr2-113819721-C-T.
Other names: p.Pro46Ser; c.136C>T, p.Pro46Ser (NM_173170.1); short protein forms P46S.
Identifiers: ClinVar variation 639584 (VCV000639584.8), dbSNP rs145099228, ClinGen allele CA1838369.

ClinVar aggregate classification (germline): Uncertain significance. Review status: criteria provided, multiple submitters, no conflicts (2 of 4 stars). 2 submissions from 2 submitters: Uncertain significance (2). Last evaluated 2023-11-27.

Conditions:
Generalized pustular psoriasis. Identifiers: Orphanet 247353, MedGen C0343055, MONDO:0100491.

Allele frequency attached by ClinVar (database versions not stated): gnomAD exomes 0.00004 and 0.00016; ExAC 0.00016; gnomAD 0.00039 and 0.00041; ESP Exome Variant Server 0.00046; TOPMed 0.00050; 1000 Genomes Project 30x 0.00109; 1000 Genomes Project 0.00120.

Submissions (2):

Labcorp Genetics (formerly Invitae), Labcorp
Classification: Uncertain significance for Generalized pustular psoriasis. Last evaluated: 2023-11-27. Review status: criteria provided, single submitter. Criteria: Invitae Variant Classification Sherloc (09022015). Collection method: clinical testing. Allele origin: germline.
Comment: This sequence change replaces proline, which is neutral and non-polar, with serine, which is neutral and polar, at codon 46 of the IL36RN protein (p.Pro46Ser). This variant is present in population databases (rs145099228, gnomAD 0.1%). This variant has not been reported in the literature in individuals affected with IL36RN-related conditions. ClinVar contains an entry for this variant (Variation ID: 639584). An algorithm developed to predict the effect of missense changes on protein structure and function (PolyPhen-2) suggests that this variant is likely to be disruptive. In summary, the available evidence is currently insufficient to determine the role of this variant in disease. Therefore, it has been classified as a Variant of Uncertain Significance.

Mayo Clinic Laboratories, Mayo Clinic
Classification: Uncertain significance. Last evaluated: 2022-07-06. Review status: criteria provided, single submitter. Criteria: ACMG Guidelines, 2015. Collection method: clinical testing. Allele origin: germline. Observed: 1 variant allele.